The following is an entry in ClinVar:

ClinVar aggregate classification (germline): Uncertain significance (1 of 4 stars; one submission).

Conditions:
Ehlers-Danlos syndrome, classic type, 1 (EDSCL1). Also called: EHLERS-DANLOS SYNDROME, GRAVIS TYPE; EHLERS-DANLOS SYNDROME, SEVERE CLASSIC TYPE; EDS I; Ehlers-Danlos Syndrome, Classic Type, COL5A1-Related; Ehlers-Danlos syndrome, type 1. Identifiers: MedGen C0268335, MONDO:0019567, OMIM 130000.

Allele frequency attached by ClinVar (database versions not stated): gnomAD exomes below 0.00001.
gnomAD v4.1: 1 of 1,599,030 alleles (0.000063%); highest among the groups gnomAD compares: East Asian, 0.0022%; no homozygotes.

Submission:

Baylor Genetics
Classification: Uncertain significance for Ehlers-Danlos syndrome, classic type, 1. Last evaluated: 2018-07-02. Review status: criteria provided, single submitter. Criteria: ACMG Guidelines, 2015. Collection method: clinical testing. Allele origin: maternal. Affected: yes.
Comment: This variant was determined to be of uncertain significance according to ACMG Guidelines, 2015 [PMID:25741868].

NM_000093.5(COL5A1):c.3007-14G>A

Gene: COL5A1 (collagen type V alpha 1 chain; plus strand). Cytogenetic location: 9q34.3.
Variant type: single nucleotide variant.
Coding change: c.3007-14G>A on transcript NM_000093.5 (MANE Select); 14 bases into the intron before coding-DNA position 3007, G replaced by A.
Molecular consequence: intron variant.
Genome position (GRCh38, 1-based): chr9:134,802,874, G>A. VCF-style: chr9-134802874-G-A. GRCh37 (hg19) VCF-style: chr9-137694720-G-A.
Other names: c.3007-14G>A (NM_001278074.1).
Identifiers: ClinVar variation 1031389 (VCV001031389.1), dbSNP rs1838163235, ClinGen allele CA1883380162.